The following is an entry in ClinVar:

NM_002143.3(HPCA):c.-5C>T

Gene: HPCA (hippocalcin; plus strand). Cytogenetic location: 1p35.1.
Variant type: single nucleotide variant.
Coding change: c.-5C>T on transcript NM_002143.3 (MANE Select); 5 bases upstream of the start codon, C replaced by T.
Molecular consequence: 5 prime UTR variant.
Genome position (GRCh38, 1-based): chr1:32,888,894, C>T. VCF-style: chr1-32888894-C-T. GRCh37 (hg19) VCF-style: chr1-33354495-C-T.
Identifiers: ClinVar variation 4071595 (VCV004071595.2).

ClinVar aggregate classification (germline): Uncertain significance (1 of 4 stars; one submission).

Submission:

GeneDx
Classification: Uncertain significance. Last evaluated: 2026-09-09. Review status: criteria provided, single submitter. Criteria: GeneDx Variant Classification Process June 2021. Collection method: clinical testing. Allele origin: germline.
Comment: Nucleotide is not conserved across species and the substitution has no predicted effect on splicing; Has not been previously published as pathogenic or benign to our knowledge; Alters the Kozak sequence, which plays a major role in the initiation of translation